The following is an entry in ClinVar:

NM_018192.4(P3H2):c.1774G>A (p.Glu592Lys)

Gene: P3H2 (prolyl 3-hydroxylase 2; minus strand). Cytogenetic location: 3q28.
Variant type: single nucleotide variant.
Coding change: c.1774G>A on transcript NM_018192.4 (MANE Select); coding-DNA position 1774, G replaced by A.
Protein change: p.Glu592Lys; replaces glutamic acid 592 with lysine.
Molecular consequence: missense variant.
Genome position (GRCh38, 1-based): chr3:189,971,933, C>T on the plus strand (G>A on the coding strand, the complement: P3H2 is on the minus strand). VCF-style: chr3-189971933-C-T. GRCh37 (hg19) VCF-style: chr3-189689722-C-T.
Other names: c.1231G>A, p.Glu411Lys (NM_001134418.2); short protein forms E411K, E592K.
Identifiers: ClinVar variation 1383420 (VCV001383420.8), dbSNP rs750424587, ClinGen allele CA2752785.
Genomic context (GRCh38, chr3:189,971,933, plus strand): 5'-GCAGGTTCTAGCTATACCTATAGTCTCGAAATGTGTAAGCAGGAGGCTCCTTCCAGCATT[C>T]GTTGGCCTCTGGATCCAACAAACAGTTGTCAGCATGGATGGGATGACTGAGGTCATTTCT-3'
Protein context (NP_060662.2, residues 582-602): DNCLLDPEAN[Glu592Lys]CWKEPPAYTF

ClinVar aggregate classification (germline): Uncertain significance (1 of 4 stars; one submission).

Allele frequency attached by ClinVar (database versions not stated): gnomAD 0.00001; gnomAD exomes 0.00001; TOPMed 0.00001; ExAC 0.00002.
gnomAD v4.1: 13 of 1,613,442 alleles (0.00081%); highest among the groups gnomAD compares: Admixed American, 0.0017%; no homozygotes.

Submission:

Labcorp Genetics (formerly Invitae), Labcorp
Classification: Uncertain significance. Last evaluated: 2022-07-25. Review status: criteria provided, single submitter. Criteria: Invitae Variant Classification Sherloc (09022015). Collection method: clinical testing. Allele origin: germline.
Comment: Algorithms developed to predict the effect of missense changes on protein structure and function are either unavailable or do not agree on the potential impact of this missense change (SIFT: "Deleterious"; PolyPhen-2: "Possibly Damaging"; Align-GVGD: "Class C15"). In summary, the available evidence is currently insufficient to determine the role of this variant in disease. Therefore, it has been classified as a Variant of Uncertain Significance. ClinVar contains an entry for this variant (Variation ID: 1383420). This variant has not been reported in the literature in individuals affected with P3H2-related conditions. This variant is present in population databases (rs750424587, gnomAD 0.004%). This sequence change replaces glutamic acid, which is acidic and polar, with lysine, which is basic and polar, at codon 592 of the P3H2 protein (p.Glu592Lys).